The following is an entry in ClinVar:

NM_024809.5(TCTN2):c.765-1G>C

Gene: TCTN2 (tectonic family member 2; plus strand). Cytogenetic location: 12q24.31.
Variant type: single nucleotide variant.
Coding change: c.765-1G>C on transcript NM_024809.5 (MANE Select); the canonical splice acceptor site of the intron before coding-DNA position 765, G replaced by C.
Molecular consequence: splice acceptor variant.
Genome position (GRCh38, 1-based): chr12:123,688,050, G>C. VCF-style: chr12-123688050-G-C. GRCh37 (hg19) VCF-style: chr12-124172597-G-C.
Other names: c.765-1G>C (NM_001410989.1); c.762-1G>C (NM_001143850.3).
Identifiers: ClinVar variation 2927895 (VCV002927895.4), dbSNP rs1191280597, ClinGen allele CA387137341.

ClinVar aggregate classification (germline): Likely pathogenic. Review status: criteria provided, multiple submitters, no conflicts (2 of 4 stars). 2 submissions from 2 submitters: Likely pathogenic (2). Last evaluated 2024-05-11.

Conditions:
Joubert syndrome. Also called: CEREBELLOPARENCHYMAL DISORDER IV; JOUBERT-BOLTSHAUSER SYNDROME; Familial aplasia of the vermis. Identifiers: Orphanet 475, MedGen C5979921, MONDO:0018772.
Meckel-Gruber syndrome. Also called: DYSENCEPHALIA SPLANCHNOCYSTICA; GRUBER SYNDROME; Dysencephalia splachnocystica. Identifiers: Orphanet 564, MedGen C0265215, MONDO:0018921.
Meckel syndrome, type 8. Identifiers: Orphanet 564, MedGen C3836857, MONDO:0013482, OMIM 613885.
Joubert syndrome 24 (JBTS24). Identifiers: Orphanet 475, MedGen C4084841, MONDO:0014724, OMIM 616654.

Allele frequency attached by ClinVar (database versions not stated): gnomAD exomes 0.00001.
gnomAD v4.1: 17 of 1,613,868 alleles (0.0011%); highest among the groups gnomAD compares: Non-Finnish European, 0.0014%; no homozygotes.

Submissions (2):

Fulgent Genetics
Classification: Likely pathogenic for Meckel syndrome, type 8; Joubert syndrome 24. Last evaluated: 2024-05-11. Review status: criteria provided, single submitter. Criteria: ACMG Guidelines, 2015. Collection method: clinical testing. Allele origin: germline.

Labcorp Genetics (formerly Invitae), Labcorp
Classification: Likely pathogenic for Joubert syndrome; Meckel-Gruber syndrome. Last evaluated: 2023-09-11. Review status: criteria provided, single submitter. Criteria: Invitae Variant Classification Sherloc (09022015). Collection method: clinical testing. Allele origin: germline.
Comment: In summary, the currently available evidence indicates that the variant is pathogenic, but additional data are needed to prove that conclusively. Therefore, this variant has been classified as Likely Pathogenic. Algorithms developed to predict the effect of sequence changes on RNA splicing suggest that this variant may disrupt the consensus splice site. This variant has not been reported in the literature in individuals affected with TCTN2-related conditions. This variant is present in population databases (no rsID available, gnomAD 0.0009%). This sequence change affects an acceptor splice site in intron 6 of the TCTN2 gene. It is expected to disrupt RNA splicing. Variants that disrupt the donor or acceptor splice site typically lead to a loss of protein function (PMID: 16199547), and loss-of-function variants in TCTN2 are known to be pathogenic (PMID: 21565611).

Literature cited by the submitters: PubMed 16199547 (cited by Labcorp Genetics (formerly Invitae), Labcorp); PubMed 21565611 (cited by Labcorp Genetics (formerly Invitae), Labcorp).